The following is an entry in ClinVar:

NM_001349253.2(SCN11A):c.2095G>A (p.Gly699Arg)

Gene: SCN11A (sodium voltage-gated channel alpha subunit 11; minus strand). Cytogenetic location: 3p22.2.
Variant type: single nucleotide variant.
Coding change: c.2095G>A on transcript NM_001349253.2 (MANE Select); coding-DNA position 2095, G replaced by A.
Protein change: p.Gly699Arg; replaces glycine 699 with arginine.
Molecular consequence: missense variant.
Genome position (GRCh38, 1-based): chr3:38,897,153, C>T on the plus strand (G>A on the coding strand, the complement: SCN11A is on the minus strand). VCF-style: chr3-38897153-C-T. GRCh37 (hg19) VCF-style: chr3-38938644-C-T.
Other names: c.2095G>A, p.Gly699Arg (NM_014139.3); short protein forms G699R.
Identifiers: ClinVar variation 582088 (VCV000582088.25), dbSNP rs145734191, ClinGen allele CA2322129.

ClinVar aggregate classification (germline): Conflicting classifications of pathogenicity. Review status: criteria provided, conflicting classifications (1 of 4 stars). 8 submissions from 8 submitters: Uncertain significance (6); Likely benign (1). 1 of the submissions does not count toward it. Last evaluated 2026-06-09.

Conditions:
SCN11A-related disorder. Also called: SCN11A-related condition.
Inborn genetic diseases. Identifiers: MedGen C0950123, MeSH D030342.
Familial episodic pain syndrome with predominantly lower limb involvement. Also called: Episodic pain syndrome, familial, 3. Identifiers: Orphanet 391384, Orphanet 391392, MedGen C3809899, MONDO:0014247, OMIM 615552.
Hereditary sensory and autonomic neuropathy type 7. Also called: HSAN VII; Neuropathy, hereditary sensory and autonomic, type VII. Identifiers: Orphanet 391397, MedGen C3809882, MONDO:0014244, OMIM 615548.
Charcot-Marie-Tooth disease. Also called: Charcot-Marie-Tooth Hereditary Neuropathy; Charcot-Marie-Tooth Neuropathy. Identifiers: Orphanet 166, MedGen C0007959, MONDO:0015626.

Allele frequency attached by ClinVar (database versions not stated): gnomAD 0.00008 and 0.00009; TOPMed 0.00008; ExAC 0.00017; gnomAD exomes 0.00018 and 0.00025; ESP Exome Variant Server 0.00031.
gnomAD v4.1: 384 of 1,613,898 alleles (0.024%); highest among the groups gnomAD compares: Non-Finnish European, 0.03%; no homozygotes.

Submissions (8):

PreventionGenetics, part of Exact Sciences
Classification: Uncertain significance for SCN11A-related condition. Last evaluated: 2026-06-09. Review status: criteria provided, single submitter. Criteria: ACMG Guidelines, 2015. Collection method: clinical testing. Allele origin: germline.
Comment: The SCN11A c.2095G>A variant is predicted to result in the amino acid substitution p.Gly699Arg. This variant has been reported in an individual with painful small fiber neuropathy (Han et al. 2015. PubMed ID: 25791876). This variant is reported in 0.030% of alleles in individuals of European (non-Finnish) descent in gnomAD. Although we suspect that this variant may be benign, at this time, the clinical significance of this variant is uncertain due to the absence of conclusive functional and genetic evidence.

CeGaT Center for Human Genetics Tuebingen
Classification: Uncertain significance. Last evaluated: 2026-04-01. Review status: criteria provided, single submitter. Criteria: CeGaT Center For Human Genetics Tuebingen Variant Classification Criteria Version 2. Collection method: clinical testing. Allele origin: germline. Affected: yes. Observed: 1 variant allele.
Comment: SCN11A: PM1:Supporting, PP3, PS3:Supporting

Labcorp Genetics (formerly Invitae), Labcorp
Classification: Uncertain significance for Familial episodic pain syndrome with predominantly lower limb involvement; Hereditary sensory and autonomic neuropathy type 7. Last evaluated: 2026-02-01. Review status: criteria provided, single submitter. Criteria: Invitae Variant Classification Sherloc (09022015). Collection method: clinical testing. Allele origin: germline.
Comment: This sequence change replaces glycine, which is neutral and non-polar, with arginine, which is basic and polar, at codon 699 of the SCN11A protein (p.Gly699Arg). This variant is present in population databases (rs145734191, gnomAD 0.03%), and has an allele count higher than expected for a pathogenic variant. This missense change has been observed in individual(s) with small fiber neuropathy (PMID: 25791876). ClinVar contains an entry for this variant (Variation ID: 582088). Invitae Evidence Modeling of protein sequence and biophysical properties (such as structural, functional, and spatial information, amino acid conservation, physicochemical variation, residue mobility, and thermodynamic stability) indicates that this missense variant is expected to disrupt SCN11A protein function with a positive predictive value of 80%. Experimental studies have shown that this missense change affects SCN11A function (PMID: 25791876). In summary, the available evidence is currently insufficient to determine the role of this variant in disease. Therefore, it has been classified as a Variant of Uncertain Significance.

Mayo Clinic Laboratories, Mayo Clinic
Classification: Uncertain significance. Last evaluated: 2022-02-22. Review status: criteria provided, single submitter. Criteria: ACMG Guidelines, 2015. Collection method: clinical testing. Allele origin: germline. Observed: 2 variant alleles.

Ambry Genetics
Classification: Likely benign for Inborn genetic diseases. Last evaluated: 2021-02-09. Review status: criteria provided, single submitter. Criteria: Ambry Variant Classification Scheme 2023. Collection method: clinical testing. Allele origin: germline.

GeneDx
Classification: Uncertain significance. Last evaluated: 2021-01-13. Review status: criteria provided, single submitter. Criteria: GeneDx Variant Classification Process June 2021. Collection method: clinical testing. Allele origin: germline. Affected: yes.
Comment: Published functional studies demonstrate a damaging effect (enhanced sodium channel activation, slowed fast inactivation, and increased neuronal excitability) (Han et al., 2015); This variant is associated with the following publications: (PMID: 25791876)

Revvity Omics, Revvity
Classification: Uncertain significance. Last evaluated: 2021-01-05. Review status: criteria provided, single submitter. Criteria: ACMG Guidelines, 2015. Collection method: clinical testing. Allele origin: germline.

Inherited Neuropathy Consortium
Classification: Uncertain significance for Charcot-Marie-Tooth disease. Review status: no assertion criteria provided. Collection method: literature only. Allele origin: germline. Affected: yes. Not counted in ClinVar's aggregate classification.

Literature cited by the submitters: PubMed 25791876 (cited by Labcorp Genetics (formerly Invitae), Labcorp and Inherited Neuropathy Consortium).